The following is an entry in ClinVar:

NM_172364.5(CACNA2D4):c.2539G>A (p.Ala847Thr)

Gene: CACNA2D4 (calcium voltage-gated channel auxiliary subunit alpha2delta 4; minus strand). Cytogenetic location: 12p13.33.
Variant type: single nucleotide variant.
Coding change: c.2539G>A on transcript NM_172364.5 (MANE Select); coding-DNA position 2539, G replaced by A.
Protein change: p.Ala847Thr; replaces alanine 847 with threonine.
Molecular consequence: missense variant.
Genome position (GRCh38, 1-based): chr12:1,840,751, C>T on the plus strand (G>A on the coding strand, the complement: CACNA2D4 is on the minus strand). VCF-style: chr12-1840751-C-T. GRCh37 (hg19) VCF-style: chr12-1949917-C-T.
Other names: c.2539G>A (NM_172364.4); short protein forms A847T.
Identifiers: ClinVar variation 1441302 (VCV001441302.8), dbSNP rs753300736, ClinGen allele CA6386652.

ClinVar aggregate classification (germline): Uncertain significance. Review status: criteria provided, multiple submitters, no conflicts (2 of 4 stars). 3 submissions from 3 submitters: Uncertain significance (3). Last evaluated 2025-09-06.

Conditions:
Inborn genetic diseases. Identifiers: MedGen C0950123, MeSH D030342.

Allele frequency attached by ClinVar (database versions not stated): gnomAD 0.00001; ExAC 0.00002; gnomAD exomes 0.00002 and 0.00003; TOPMed 0.00002.

Submissions (3):

Labcorp Genetics (formerly Invitae), Labcorp
Classification: Uncertain significance. Last evaluated: 2025-09-06. Review status: criteria provided, single submitter. Criteria: Invitae Variant Classification Sherloc (09022015). Collection method: clinical testing. Allele origin: germline.
Comment: This sequence change replaces alanine, which is neutral and non-polar, with threonine, which is neutral and polar, at codon 847 of the CACNA2D4 protein (p.Ala847Thr). This variant is present in population databases (rs753300736, gnomAD 0.02%). This variant has not been reported in the literature in individuals affected with CACNA2D4-related conditions. ClinVar contains an entry for this variant (Variation ID: 1441302). An algorithm developed to predict the effect of missense changes on protein structure and function (PolyPhen-2) suggests that this variant is likely to be tolerated. In summary, the available evidence is currently insufficient to determine the role of this variant in disease. Therefore, it has been classified as a Variant of Uncertain Significance.

Ambry Genetics
Classification: Uncertain significance for Inborn genetic diseases. Last evaluated: 2025-03-22. Review status: criteria provided, single submitter. Criteria: Ambry Variant Classification Scheme 2023. Collection method: clinical testing. Allele origin: germline.

Blueprint Genetics
Classification: Uncertain significance. Last evaluated: 2022-08-31. Review status: criteria provided, single submitter. Criteria: ACMG Guidelines, 2015. Collection method: clinical testing. Allele origin: germline.